The following is an entry in ClinVar:

ClinVar aggregate classification (germline): Pathogenic (1 of 4 stars; one submission).

Conditions:
Rhabdoid tumor predisposition syndrome 2 (RTPS2). Identifiers: Orphanet 231108, Orphanet 69077, MedGen C2750074, MONDO:0013224, OMIM 613325.

Submission:

Labcorp Genetics (formerly Invitae), Labcorp
Classification: Pathogenic for Rhabdoid tumor predisposition syndrome 2. Last evaluated: 2022-12-11. Review status: criteria provided, single submitter. Criteria: Invitae Variant Classification Sherloc (09022015). Collection method: clinical testing. Allele origin: germline.
Comment: For these reasons, this variant has been classified as Pathogenic. This variant has not been reported in the literature in individuals affected with SMARCA4-related conditions. This variant is not present in population databases (gnomAD no frequency). This sequence change creates a premature translational stop signal (p.Trp764*) in the SMARCA4 gene. It is expected to result in an absent or disrupted protein product. Loss-of-function variants in SMARCA4 are known to be pathogenic (PMID: 24658001, 24658002).

Literature cited by the submitters: PubMed 24658001; PubMed 24658002.

NM_003072.5(SMARCA4):c.2291G>A (p.Trp764Ter)

Gene: SMARCA4 (SWI/SNF related BAF chromatin remodeling complex subunit ATPase 4; plus strand). Cytogenetic location: 19p13.2.
Variant type: single nucleotide variant.
Coding change: c.2291G>A on transcript NM_003072.5 (MANE Select); coding-DNA position 2291, G replaced by A.
Protein change: p.Trp764Ter; replaces tryptophan 764 with a stop codon.
Molecular consequence: nonsense. On other transcripts: non-coding transcript variant (1).
Genome position (GRCh38, 1-based): chr19:11,012,965, G>A. VCF-style: chr19-11012965-G-A. GRCh37 (hg19) VCF-style: chr19-11123641-G-A.
Other names: c.2291G>A, p.Trp764Ter (NM_001128844.3, NM_001128845.2, NM_001128846.2 and 6 more transcripts); short protein forms W764*.
Identifiers: ClinVar variation 2820104 (VCV002820104.3), dbSNP rs2514697373, ClinGen allele CA404053038.